The following is an entry in ClinVar:

ClinVar aggregate classification (germline): Benign. Review status: criteria provided, multiple submitters, no conflicts (2 of 4 stars). 2 submissions from 2 submitters: Benign (2). Last evaluated 2017-05-09.

Allele frequency attached by ClinVar (database versions not stated): 1000 Genomes Project 0.28794; ESP Exome Variant Server 0.28942; 1000 Genomes Project 30x 0.29856; TOPMed 0.30273.
gnomAD v4.1: 380,458 of 1,430,156 alleles (27%); highest among the groups gnomAD compares: African/African-American, 45%; 52,610 homozygotes.

Submissions (2):

GeneDx
Classification: Benign. Last evaluated: 2017-05-09. Review status: criteria provided, single submitter. Criteria: GeneDx Variant Classification (06012015). Collection method: clinical testing. Allele origin: germline. Affected: yes.
Comment: This variant is considered likely benign or benign based on one or more of the following criteria: it is a conservative change, it occurs at a poorly conserved position in the protein, it is predicted to be benign by multiple in silico algorithms, and/or has population frequency not consistent with disease.

Breakthrough Genomics
Classification: Benign. Review status: criteria provided, single submitter. Criteria: ACMG Guidelines, 2015. Collection method: not provided. Allele origin: germline. Inheritance: Autosomal recessive inheritance. Affected: yes.

NM_006383.4(CIB2):c.-39T>G

Genes: CIB2 (calcium and integrin binding family member 2; minus strand), LOC130057683 (ATAC-STARR-seq lymphoblastoid silent region 6705; plus strand). Cytogenetic location: 15q25.1.
Variant type: single nucleotide variant.
Coding change: c.-39T>G on transcript NM_006383.4 (MANE Select); 39 bases upstream of the start codon, T replaced by G.
Molecular consequence: 5 prime UTR variant. On other transcripts: non-coding transcript variant (1).
Genome position (GRCh38, 1-based): chr15:78,131,254, A>C on the plus strand (T>G on the coding strand, the complement: CIB2 is on the minus strand). VCF-style: chr15-78131254-A-C. GRCh37 (hg19) VCF-style: chr15-78423596-A-C.
Other names: c.-133T>G (NM_001271888.2); c.-39T>G (NM_001271889.2, NM_001301224.2).
Identifiers: ClinVar variation 508091 (VCV000508091.2), dbSNP rs11547207, ClinGen allele CA7680412.